The following is an entry in ClinVar:

ClinVar aggregate classification (germline): Uncertain significance (1 of 4 stars; one submission).

Conditions:
Hereditary cancer-predisposing syndrome. Also called: Neoplastic Syndromes, Hereditary; Tumor predisposition; Hereditary Cancer Syndrome; Hereditary neoplastic syndrome. Identifiers: Orphanet 140162, MedGen C0027672, MeSH D009386, MONDO:0015356.

Allele frequency attached by ClinVar (database versions not stated): gnomAD exomes below 0.00001.

Submission:

Ambry Genetics
Classification: Uncertain significance for Hereditary cancer-predisposing syndrome. Last evaluated: 2020-11-12. Review status: criteria provided, single submitter. Criteria: Ambry Variant Classification Scheme 2023. Collection method: clinical testing. Allele origin: germline.
Comment: The p.E11A variant (also known as c.32A>C), located in coding exon 1 of the CDK4 gene, results from an A to C substitution at nucleotide position 32. The glutamic acid at codon 11 is replaced by alanine, an amino acid with dissimilar properties. In one functional study, this alteration demonstrated reduced Cyclin D1 and p16 binding compared to wild type (Coleman KG et al. J Biol Chem, 1997 Jul;272:18869-74). This amino acid position is well conserved in available vertebrate species. In addition, the in silico prediction for this alteration is inconclusive. Since supporting evidence is limited at this time, the clinical significance of this alteration remains unclear.

Literature cited by the submitters: PubMed 9228064.

NM_000075.4(CDK4):c.32A>C (p.Glu11Ala)

Gene: CDK4 (cyclin dependent kinase 4; minus strand). Cytogenetic location: 12q14.1.
Variant type: single nucleotide variant.
Coding change: c.32A>C on transcript NM_000075.4 (MANE Select); coding-DNA position 32, A replaced by C.
Protein change: p.Glu11Ala; replaces glutamic acid 11 with alanine.
Molecular consequence: missense variant.
Genome position (GRCh38, 1-based): chr12:57,751,686, T>G on the plus strand (A>C on the coding strand, the complement: CDK4 is on the minus strand). VCF-style: chr12-57751686-T-G. GRCh37 (hg19) VCF-style: chr12-58145469-T-G.
Other names: short protein forms E11A.
Identifiers: ClinVar variation 1729942 (VCV001729942.2), dbSNP rs1595111239, ClinGen allele CA385549175.